The following is an entry in ClinVar:

NM_001365276.2(TNXB):c.1496G>A (p.Gly499Asp)

Gene: TNXB (tenascin XB; minus strand). Cytogenetic location: 6p21.33.
Variant type: single nucleotide variant.
Coding change: c.1496G>A on transcript NM_001365276.2 (MANE Select); coding-DNA position 1496, G replaced by A.
Protein change: p.Gly499Asp; replaces glycine 499 with aspartic acid.
Molecular consequence: missense variant.
Genome position (GRCh38, 1-based): chr6:32,096,357, C>T on the plus strand (G>A on the coding strand, the complement: TNXB is on the minus strand). VCF-style: chr6-32096357-C-T. GRCh37 (hg19) VCF-style: chr6-32064134-C-T.
Other names: p.Gly499Asp; c.1496G>A, p.Gly499Asp (NM_019105.8); short protein forms G499D.
Identifiers: ClinVar variation 1206426 (VCV001206426.12), dbSNP rs771249673, ClinGen allele CA3735669.
Genomic context (GRCh38, chr6:32,096,357, plus strand): 5'-GTGAAGCCCGGGTTGCACACGCAGCGGCCATCCACGCAGCGCCCGCGCCCGCGACAGTCG[C>T]CAGGACAGGCGCGCGTGCCGCAGTCCCGGCCTGTGTACCCCGGCCAACACATGCAGCGGC-3'
Protein context (NP_001352205.1, residues 489-509): GRDCGTRACP[Gly499Asp]DCRGRGRCVD

ClinVar aggregate classification (germline): Uncertain significance. Review status: criteria provided, multiple submitters, no conflicts (2 of 4 stars). 6 submissions from 6 submitters: Uncertain significance (6). Last evaluated 2026-01-26.

Conditions:
Cardiovascular phenotype. Identifiers: MedGen CN230736.
Vesicoureteral reflux 8 (VUR8). Identifiers: Orphanet 289365, MedGen C4014831, MONDO:0014422, OMIM 615963.
Ehlers-Danlos syndrome due to tenascin-X deficiency (EDSCLL1). Also called: EDS DUE TO TNX DEFICIENCY; TNXB-Related Classical-Like Ehlers-Danlos Syndrome; TNX DEFICIENCY; EHLERS-DANLOS SYNDROME, CLASSIC-LIKE; Ehlers-Danlos syndrome, classic-like, 1. Identifiers: Orphanet 230839, MedGen C1848029, MONDO:0011670, OMIM 606408.
TNXB-related disorder. Also called: TNXB-related condition.

Allele frequency attached by ClinVar (database versions not stated): ExAC 0.00005; gnomAD 0.00009; gnomAD exomes 0.00010 and 0.00017.
gnomAD v4.1: 239 of 1,554,338 alleles (0.015%); highest among the groups gnomAD compares: Non-Finnish European, 0.02%; no homozygotes.

Submissions (6):

PreventionGenetics, part of Exact Sciences
Classification: Uncertain significance for TNXB-related condition. Last evaluated: 2026-01-26. Review status: criteria provided, single submitter. Criteria: ACMG Guidelines, 2015. Collection method: clinical testing. Allele origin: germline.
Comment: The TNXB c.1496G>A variant is predicted to result in the amino acid substitution p.Gly499Asp. To our knowledge, this variant has not been reported in the literature. This variant is reported in 0.022% of alleles in individuals of European (Non-Finnish) descent in gnomAD. At this time, the clinical significance of this variant is uncertain due to the absence of conclusive functional and genetic evidence.

Mayo Clinic Laboratories, Mayo Clinic
Classification: Uncertain significance. Last evaluated: 2025-07-03. Review status: criteria provided, single submitter. Criteria: ACMG Guidelines, 2015. Collection method: clinical testing. Allele origin: germline. Observed: 1 variant allele.
Comment: BP4_moderate

Women's Health and Genetics/Laboratory Corporation of America, LabCorp
Classification: Uncertain significance. Last evaluated: 2025-05-06. Review status: criteria provided, single submitter. Criteria: LabCorp Variant Classification Summary - May 2015. Collection method: clinical testing. Allele origin: germline.
Comment: Variant summary: TNXB c.1496G>A (p.Gly499Asp) results in a non-conservative amino acid change in the encoded protein sequence. Algorithms developed to predict the effect of missense changes on protein structure and function are either unavailable or do not agree on the potential impact of this missense change. The variant allele was found at a frequency of 9.6e-05 in 156550 control chromosomes. This frequency is not significantly higher than estimated for a pathogenic variant in TNXB causing Ehlers-Danlos syndrome due to tenascin-X deficiency (9.6e-05 vs 0.0011), allowing no conclusion about variant significance. To our knowledge, no occurrence of c.1496G>A in individuals affected with Ehlers-Danlos syndrome due to tenascin-X deficiency and no experimental evidence demonstrating its impact on protein function have been reported. ClinVar contains an entry for this variant (Variation ID: 1206426). Based on the evidence outlined above, the variant was classified as uncertain significance.

Ambry Genetics
Classification: Uncertain significance for Cardiovascular phenotype. Last evaluated: 2025-05-01. Review status: criteria provided, single submitter. Criteria: Ambry Variant Classification Scheme 2023. Collection method: clinical testing. Allele origin: germline.

GeneDx
Classification: Uncertain significance. Last evaluated: 2022-07-26. Review status: criteria provided, single submitter. Criteria: GeneDx Variant Classification Process June 2021. Collection method: clinical testing. Allele origin: germline. Affected: yes.
Comment: Has not been previously published as pathogenic or benign to our knowledge; In silico analysis supports that this missense variant has a deleterious effect on protein structure/function

Fulgent Genetics
Classification: Uncertain significance for Ehlers-Danlos syndrome due to tenascin-X deficiency; Vesicoureteral reflux 8. Last evaluated: 2022-01-29. Review status: criteria provided, single submitter. Criteria: ACMG Guidelines, 2015. Collection method: clinical testing. Allele origin: unknown.